The following is an entry in ClinVar:

NM_006019.4(TCIRG1):c.2482A>G (p.Thr828Ala)

Gene: TCIRG1 (T cell immune regulator 1, ATPase H+ transporting V0 subunit a3; plus strand). Cytogenetic location: 11q13.2.
Variant type: single nucleotide variant.
Coding change: c.2482A>G on transcript NM_006019.4 (MANE Select); coding-DNA position 2482, A replaced by G.
Protein change: p.Thr828Ala; replaces threonine 828 with alanine.
Molecular consequence: missense variant. On other transcripts: 3 prime UTR variant (4).
Genome position (GRCh38, 1-based): chr11:68,050,808, A>G. VCF-style: chr11-68050808-A-G. GRCh37 (hg19) VCF-style: chr11-67818275-A-G.
Other names: c.1588A>G, p.Thr530Ala (NM_001351059.2); c.2482A>G, p.Thr828Ala (NM_001440552.1, NM_001440553.1, NM_001440554.1); c.2182A>G, p.Thr728Ala (NM_001440565.1); c.*21A>G (NM_001440566.1, NM_001440557.1, NM_001440558.1 and 1 more transcripts); c.2020A>G, p.Thr674Ala (NM_001440567.1); c.2014A>G, p.Thr672Ala (NM_001440568.1); c.1522A>G, p.Thr508Ala (NM_001440569.1); c.1834A>G, p.Thr612Ala (NM_006053.4); and 3 more; short protein forms T508A, T743A, T728A, T814A, T828A, T530A, T612A, T672A.
Identifiers: ClinVar variation 4773126 (VCV004773126.1).

ClinVar aggregate classification (germline): Uncertain significance (1 of 4 stars; one submission).

Submission:

Labcorp Genetics (formerly Invitae), Labcorp
Classification: Uncertain significance. Last evaluated: 2025-03-05. Review status: criteria provided, single submitter. Criteria: Invitae Variant Classification Sherloc (09022015). Collection method: clinical testing. Allele origin: germline.
Comment: This sequence change replaces threonine, which is neutral and polar, with alanine, which is neutral and non-polar, at codon 828 of the TCIRG1 protein (p.Thr828Ala). This variant is not present in population databases (gnomAD no frequency). This variant has not been reported in the literature in individuals affected with TCIRG1-related conditions. An algorithm developed to predict the effect of missense changes on protein structure and function outputs the following: PolyPhen-2: "Benign". The alanine amino acid residue is found in multiple mammalian species, which suggests that this missense change does not adversely affect protein function. In summary, the available evidence is currently insufficient to determine the role of this variant in disease. Therefore, it has been classified as a Variant of Uncertain Significance.